The following is an entry in ClinVar:

ClinVar aggregate classification (germline): Uncertain significance (1 of 4 stars; one submission).

Conditions:
Dilated cardiomyopathy 1HH (CMD1HH). Identifiers: Orphanet 154, MedGen C3151293, MONDO:0013479, OMIM 613881.
Myofibrillar myopathy 6. Identifiers: Orphanet 199340, MedGen C2751831, MONDO:0013061, OMIM 612954.

Submission:

Labcorp Genetics (formerly Invitae), Labcorp
Classification: Uncertain significance for Dilated cardiomyopathy 1HH; Myofibrillar myopathy 6. Last evaluated: 2023-02-22. Review status: criteria provided, single submitter. Criteria: Invitae Variant Classification Sherloc (09022015). Collection method: clinical testing. Allele origin: germline.
Comment: This variant is not present in population databases (gnomAD no frequency). This sequence change replaces methionine, which is neutral and non-polar, with leucine, which is neutral and non-polar, at codon 525 of the BAG3 protein (p.Met525Leu). This variant has not been reported in the literature in individuals affected with BAG3-related conditions. In summary, the available evidence is currently insufficient to determine the role of this variant in disease. Therefore, it has been classified as a Variant of Uncertain Significance. Advanced modeling of protein sequence and biophysical properties (such as structural, functional, and spatial information, amino acid conservation, physicochemical variation, residue mobility, and thermodynamic stability) performed at Invitae indicates that this missense variant is not expected to disrupt BAG3 protein function.

NM_004281.4(BAG3):c.1573A>C (p.Met525Leu)

Gene: BAG3 (BAG cochaperone 3; plus strand). Cytogenetic location: 10q26.11.
Variant type: single nucleotide variant.
Coding change: c.1573A>C on transcript NM_004281.4 (MANE Select); coding-DNA position 1573, A replaced by C.
Protein change: p.Met525Leu; replaces methionine 525 with leucine.
Molecular consequence: missense variant.
Genome position (GRCh38, 1-based): chr10:119,677,127, A>C. VCF-style: chr10-119677127-A-C. GRCh37 (hg19) VCF-style: chr10-121436639-A-C.
Other names: short protein forms M525L.
Identifiers: ClinVar variation 2944599 (VCV002944599.3), dbSNP rs757902899, ClinGen allele CA378297612.